The following is an entry in ClinVar:

NM_002485.5(NBN):c.1645A>G (p.Lys549Glu)

Gene: NBN (nibrin; minus strand). Cytogenetic location: 8q21.3.
Variant type: single nucleotide variant.
Coding change: c.1645A>G on transcript NM_002485.5 (MANE Select); coding-DNA position 1645, A replaced by G.
Protein change: p.Lys549Glu; replaces lysine 549 with glutamic acid.
Molecular consequence: missense variant.
Genome position (GRCh38, 1-based): chr8:89,953,444, T>C on the plus strand (A>G on the coding strand, the complement: NBN is on the minus strand). VCF-style: chr8-89953444-T-C. GRCh37 (hg19) VCF-style: chr8-90965672-T-C.
Other names: c.1399A>G, p.Lys467Glu (NM_001024688.3); short protein forms K467E, K549E.
Identifiers: ClinVar variation 1002710 (VCV001002710.12), dbSNP rs1810540992, ClinGen allele CA371655414.

ClinVar aggregate classification (germline): Uncertain significance. Review status: criteria provided, multiple submitters, no conflicts (2 of 4 stars). 3 submissions from 3 submitters: Uncertain significance (3). Last evaluated 2023-11-21.

Conditions:
Aplastic anemia. Identifiers: Orphanet 182040, Orphanet 88, MedGen C0002874, MONDO:0015909, OMIM 609135, HP:0001915.
Hereditary cancer-predisposing syndrome. Also called: Hereditary neoplastic syndrome; Neoplastic Syndromes, Hereditary; Tumor predisposition; Hereditary Cancer Syndrome. Identifiers: Orphanet 140162, MedGen C0027672, MeSH D009386, MONDO:0015356.
Microcephaly, normal intelligence and immunodeficiency (NBS). Also called: BERLIN BREAKAGE SYNDROME; Immunodeficiency, microcephaly with normal intelligence; SEEMANOVA SYNDROME II; Nijmegen breakage syndrome; Microcephaly with normal intelligence immunodeficiency and lymphoreticular malignancies; Nonsyndromal microcephaly autosomal recessive with normal intelligence. Identifiers: Orphanet 647, MedGen C0398791, MONDO:0009623, OMIM 251260.

Submissions (3):

Baylor Genetics
Classification: Uncertain significance for Aplastic anemia. Last evaluated: 2023-11-21. Review status: criteria provided, single submitter. Criteria: ACMG Guidelines, 2015. Collection method: clinical testing. Allele origin: unknown.

Labcorp Genetics (formerly Invitae), Labcorp
Classification: Uncertain significance for Microcephaly, normal intelligence and immunodeficiency. Last evaluated: 2023-03-18. Review status: criteria provided, single submitter. Criteria: Invitae Variant Classification Sherloc (09022015). Collection method: clinical testing. Allele origin: germline.
Comment: This variant is not present in population databases (gnomAD no frequency). In summary, the available evidence is currently insufficient to determine the role of this variant in disease. Therefore, it has been classified as a Variant of Uncertain Significance. An algorithm developed to predict the effect of missense changes on protein structure and function (PolyPhen-2) suggests that this variant is likely to be disruptive. ClinVar contains an entry for this variant (Variation ID: 1002710). This variant has not been reported in the literature in individuals affected with NBN-related conditions. This sequence change replaces lysine, which is basic and polar, with glutamic acid, which is acidic and polar, at codon 549 of the NBN protein (p.Lys549Glu).

Ambry Genetics
Classification: Uncertain significance for Hereditary cancer-predisposing syndrome. Last evaluated: 2021-09-21. Review status: criteria provided, single submitter. Criteria: Ambry Variant Classification Scheme 2023. Collection method: clinical testing. Allele origin: germline.
Comment: The p.K549E variant (also known as c.1645A>G), located in coding exon 11 of the NBN gene, results from an A to G substitution at nucleotide position 1645. The lysine at codon 549 is replaced by glutamic acid, an amino acid with similar properties. This amino acid position is conserved. In addition, this alteration is predicted to be tolerated by in silico analysis. Since supporting evidence is limited at this time, the clinical significance of this alteration remains unclear.